The following is an entry in ClinVar:

ClinVar aggregate classification (germline): Uncertain significance (1 of 4 stars; one submission).

Conditions:
Ectodermal dysplasia 10A, hypohidrotic/hair/nail type, autosomal dominant (ECTD10A). Also called: Ectodermal Dysplasia 3, Anhidrotic. Identifiers: Orphanet 1810, Orphanet 238468, MedGen C3888065, MONDO:0007509, OMIM 129490.

gnomAD v4.1: 2 of 1,614,174 alleles (0.00012%); highest among the groups gnomAD compares: East Asian, 0.0022%; no homozygotes.

Submission:

3billion
Classification: Uncertain significance for Ectodermal dysplasia 10A, hypohidrotic/hair/nail type, autosomal dominant. Last evaluated: 2023-11-21. Review status: criteria provided, single submitter. Criteria: ACMG Guidelines, 2015. Collection method: clinical testing. Allele origin: germline. Affected: yes.
Comment: The variant is observed at an extremely low frequency in the gnomAD v2.1.1 dataset (total allele frequency: <0.001%). Predicted Consequence/Location: Missense variant In silico tool predictions suggest damaging effect of the variant on gene or gene product [REVEL: 0.60 (>=0.6, sensitivity 0.68 and specificity 0.92)]. Therefore, this variant is classified as VUS according to the recommendation of ACMG/AMP guideline.

NM_022336.4(EDAR):c.389T>A (p.Ile130Asn)

Genes: EDAR (ectodysplasin A receptor; minus strand), RANBP2 (RAN binding protein 2; plus strand). Cytogenetic location: 2q13.
Variant type: single nucleotide variant.
Coding change: c.389T>A on transcript NM_022336.4 (MANE Select); coding-DNA position 389, T replaced by A.
Protein change: p.Ile130Asn; replaces isoleucine 130 with asparagine.
Molecular consequence: missense variant.
Genome position (GRCh38, 1-based): chr2:108,923,421, A>T on the plus strand (T>A on the coding strand, the complement: EDAR is on the minus strand). VCF-style: chr2-108923421-A-T. GRCh37 (hg19) VCF-style: chr2-109539877-A-T.
Other names: short protein forms I130N.
Identifiers: ClinVar variation 3775270 (VCV003775270.1).
Genomic context (GRCh38, chr2:108,923,421, plus strand): 5'-CACTCACATTCCTTGGTGTTGGGGGGTGCCAGGAGGCAGGAGTAGCAGACCATGCCATAG[A>T]TGTTCCTCGGTCTGTTCTCCAGCATGTAGTAGCTACGGGGGAGAGACAAGACAAAACAGA-3'
Protein context (NP_071731.1, residues 120-140): YYMLENRPRN[Ile130Asn]YGMVCYSCLL